The following is an entry in ClinVar:

ClinVar aggregate classification (germline): Likely pathogenic (1 of 4 stars; one submission).

Conditions:
Autosomal recessive limb-girdle muscular dystrophy type 2J (LGMDR10). Also called: Limb-girdle muscular dystrophy, type 2J; MUSCULAR DYSTROPHY, LIMB-GIRDLE, AUTOSOMAL RECESSIVE 10. Identifiers: Orphanet 140922, MedGen C1837342, MONDO:0012127, OMIM 608807.
Dilated cardiomyopathy 1G (CMD1G). Identifiers: Orphanet 154, MedGen C1858763, MONDO:0011400, OMIM 604145.

Submission:

Labcorp Genetics (formerly Invitae), Labcorp
Classification: Likely pathogenic for Dilated cardiomyopathy 1G; Autosomal recessive limb-girdle muscular dystrophy type 2J. Last evaluated: 2023-10-27. Review status: criteria provided, single submitter. Criteria: Invitae Variant Classification Sherloc (09022015). Collection method: clinical testing. Allele origin: germline.
Comment: This sequence change creates a premature translational stop signal (p.Gly22869Valfs*5) in the TTN gene. While this is not anticipated to result in nonsense mediated decay, it is expected to create a truncated TTN protein. This variant is not present in population databases (gnomAD no frequency). This variant has not been reported in the literature in individuals affected with TTN-related conditions. This variant is located in the A band of TTN (PMID: 25589632). Truncating variants in this region are significantly overrepresented in patients affected with dilated cardiomyopathy (PMID: 25589632). Truncating variants in this region have also been reported in individuals affected with autosomal recessive centronuclear myopathy (PMID: 23975875). In summary, the currently available evidence indicates that the variant is pathogenic, but additional data are needed to prove that conclusively. Therefore, this variant has been classified as Likely Pathogenic.

Literature cited by the submitters: PubMed 25589632; PubMed 23975875.

NM_001267550.2(TTN):c.68606del (p.Gly22869fs)

Genes: TTN (titin; minus strand), TTN-AS1 (TTN antisense RNA 1; plus strand). Cytogenetic location: 2q31.2.
Variant type: Deletion.
Coding change: c.68606del on transcript NM_001267550.2 (MANE Select); coding-DNA position 68606, one base deleted (G; older notation c.68606delG).
Protein change: p.Gly22869fs; shifts the reading frame from glycine 22869.
Molecular consequence: frameshift variant.
Genome position (GRCh38, 1-based): chr2:178,577,820, C deleted on the plus strand (G on the coding strand, the reverse complement: TTN is on the minus strand); the first of 2 consecutive C bases (chr2:178,577,820-178,577,821); deleting either gives the same sequence. VCF-style (leftmost placement, unchanged base first): chr2-178577819-AC-A. GRCh37 (hg19) VCF-style: chr2-179442546-AC-A.
Other names: c.63683del, p.Gly21228fs (NM_001256850.1); c.41411del, p.Gly13804fs (NM_003319.4); c.60902del, p.Gly20301fs (NM_133378.4); c.41786del, p.Gly13929fs (NM_133432.3); c.41987del, p.Gly13996fs (NM_133437.4); short protein forms G21228fs, G13804fs, G13929fs, G20301fs, G22869fs, G13996fs.
Identifiers: ClinVar variation 2953319 (VCV002953319.3), dbSNP rs2468799848, ClinGen allele CA2740096042.